The following is an entry in ClinVar:

ClinVar aggregate classification (germline): Uncertain significance (1 of 4 stars; one submission).

Allele frequency attached by ClinVar (database versions not stated): gnomAD exomes below 0.00001; ExAC 0.00001; ESP Exome Variant Server 0.00009.
gnomAD v4.1: 2 of 1,212,051 alleles (0.00017%); highest among the groups gnomAD compares: African/African-American, 0.0017%; no homozygotes.

Submission:

Labcorp Genetics (formerly Invitae), Labcorp
Classification: Uncertain significance. Last evaluated: 2022-08-24. Review status: criteria provided, single submitter. Criteria: Invitae Variant Classification Sherloc (09022015). Collection method: clinical testing. Allele origin: germline.
Comment: In summary, the available evidence is currently insufficient to determine the role of this variant in disease. Therefore, it has been classified as a Variant of Uncertain Significance. Algorithms developed to predict the effect of missense changes on protein structure and function are either unavailable or do not agree on the potential impact of this missense change (SIFT: "Tolerated"; PolyPhen-2: "Probably Damaging"; Align-GVGD: "Class C0"). This variant has not been reported in the literature in individuals affected with AMER1-related conditions. This variant is present in population databases (rs372996310, gnomAD 0.008%). This sequence change replaces serine, which is neutral and polar, with proline, which is neutral and non-polar, at codon 749 of the AMER1 protein (p.Ser749Pro).

NM_152424.4(AMER1):c.2245T>C (p.Ser749Pro)

Gene: AMER1 (APC membrane recruitment protein 1; minus strand). Cytogenetic location: Xq11.2.
Variant type: single nucleotide variant.
Coding change: c.2245T>C on transcript NM_152424.4 (MANE Select); coding-DNA position 2245, T replaced by C.
Protein change: p.Ser749Pro; replaces serine 749 with proline.
Molecular consequence: missense variant.
Genome position (GRCh38, 1-based): chrX:64,191,042, A>G on the plus strand (T>C on the coding strand, the complement: AMER1 is on the minus strand). VCF-style: chrX-64191042-A-G. GRCh37 (hg19) VCF-style: chrX-63410922-A-G.
Other names: short protein forms S749P.
Identifiers: ClinVar variation 2003022 (VCV002003022.4), dbSNP rs372996310, ClinGen allele CA10432217.